The following is an entry in ClinVar:

ClinVar aggregate classification (germline): Pathogenic/Likely pathogenic. Review status: criteria provided, multiple submitters, no conflicts (2 of 4 stars). 2 submissions from 2 submitters: Pathogenic (1); Likely pathogenic (1). Last evaluated 2021-03-01.

Conditions:
Marfan syndrome (MFS). Also called: FBN1-Related Marfan Syndrome; Marfan syndrome type 1; Marfan's syndrome; Marfan syndrome, classic; MARFAN SYNDROME, TYPE I. Identifiers: Orphanet 284963, Orphanet 558, MedGen C0024796, MONDO:0007947, OMIM 154700.

Submissions (2):

Centre of Medical Genetics, University of Antwerp
Classification: Pathogenic for Marfan syndrome. Last evaluated: 2021-03-01. Review status: criteria provided, single submitter. Criteria: Submitter's publication. Collection method: research. Allele origin: unknown. Affected: yes.
Comment: PM2, PVS1, PP4

Women's Health and Genetics/Laboratory Corporation of America, LabCorp
Classification: Likely pathogenic for Marfan Syndrome. Last evaluated: 2011-08-18. Review status: criteria provided, single submitter. Criteria: LabCorp Variant Classification Summary - May 2015. Collection method: curation, clinical testing. Allele origin: germline. Inheritance: autosomal unknown. Affected: yes.
ClinVar note: Converted during submission from likely pathogenic to Likely pathogenic.

NM_000138.5(FBN1):c.3140_3141del (p.Thr1047fs)

Gene: FBN1 (fibrillin 1; minus strand). Cytogenetic location: 15q21.1.
Variant type: Deletion.
Coding change: c.3140_3141del on transcript NM_000138.5 (MANE Select); coding-DNA positions 3140 to 3141, 2 bases deleted (CC; older notation c.3140_3141delCC).
Protein change: p.Thr1047fs; shifts the reading frame from threonine 1047.
Molecular consequence: frameshift variant.
Genome position (GRCh38, 1-based): chr15:48,488,435-48,488,436, GG deleted on the plus strand (CC on the coding strand, the reverse complement: FBN1 is on the minus strand). VCF-style (leftmost placement, unchanged base first): chr15-48488434-TGG-T. GRCh37 (hg19) VCF-style: chr15-48780631-TGG-T.
Other names: c.3140_3141delCC (NM_000138.4); short protein forms T1047fs.
Identifiers: ClinVar variation 36063 (VCV000036063.20), dbSNP rs193922197, ClinGen allele CA013816.